The following is an entry in ClinVar:

ClinVar aggregate classification (germline): Uncertain significance. Review status: criteria provided, multiple submitters, no conflicts (2 of 4 stars). 2 submissions from 2 submitters: Uncertain significance (2). Last evaluated 2025-04-18.

Conditions:
Hereditary nonpolyposis colorectal neoplasms. Identifiers: MedGen C0009405, MeSH D003123.
Hereditary cancer-predisposing syndrome. Also called: Neoplastic Syndromes, Hereditary; Tumor predisposition; Hereditary Cancer Syndrome; Hereditary neoplastic syndrome. Identifiers: Orphanet 140162, MedGen C0027672, MeSH D009386, MONDO:0015356.

Submissions (2):

Ambry Genetics
Classification: Uncertain significance for Hereditary cancer-predisposing syndrome. Last evaluated: 2025-04-18. Review status: criteria provided, single submitter. Criteria: Ambry Variant Classification Scheme 2023. Collection method: clinical testing. Allele origin: germline.
Comment: The p.E1120Q variant (also known as c.3358G>C), located in coding exon 5 of the MSH6 gene, results from a G to C substitution at nucleotide position 3358. The glutamic acid at codon 1120 is replaced by glutamine, an amino acid with highly similar properties. This amino acid position is conserved. In addition, the in silico prediction for this alteration is inconclusive. Based on the available evidence, the clinical significance of this variant remains unclear.

Labcorp Genetics (formerly Invitae), Labcorp
Classification: Uncertain significance for Hereditary nonpolyposis colorectal neoplasms. Last evaluated: 2020-09-10. Review status: criteria provided, single submitter. Criteria: Invitae Variant Classification Sherloc (09022015). Collection method: clinical testing. Allele origin: germline.
Comment: In summary, the available evidence is currently insufficient to determine the role of this variant in disease. Therefore, it has been classified as a Variant of Uncertain Significance. Advanced modeling of protein sequence and biophysical properties (such as structural, functional, and spatial information, amino acid conservation, physicochemical variation, residue mobility, and thermodynamic stability) performed at Invitae indicates that this missense variant is not expected to disrupt MSH6 protein function. This variant has not been reported in the literature in individuals with MSH6-related conditions. This variant is not present in population databases (ExAC no frequency). This sequence change replaces glutamic acid with glutamine at codon 1120 of the MSH6 protein (p.Glu1120Gln). The glutamic acid residue is moderately conserved and there is a small physicochemical difference between glutamic acid and glutamine.

NM_000179.3(MSH6):c.3358G>C (p.Glu1120Gln)

Gene: MSH6 (mutS homolog 6; plus strand). Cytogenetic location: 2p16.3.
Variant type: single nucleotide variant.
Coding change: c.3358G>C on transcript NM_000179.3 (MANE Select); coding-DNA position 3358, G replaced by C.
Protein change: p.Glu1120Gln; replaces glutamic acid 1120 with glutamine.
Molecular consequence: missense variant.
Genome position (GRCh38, 1-based): chr2:47,803,605, G>C. VCF-style: chr2-47803605-G-C. GRCh37 (hg19) VCF-style: chr2-48030744-G-C.
Other names: c.3358G>C (NM_000179.2); c.2968G>C, p.Glu990Gln (NM_001281492.2); c.2452G>C, p.Glu818Gln (NM_001281493.2, NM_001281494.2); short protein forms E1120Q, E818Q, E990Q.
Identifiers: ClinVar variation 1001098 (VCV001001098.10), dbSNP rs1114167793, ClinGen allele CA346758772.